The following is an entry in ClinVar:

NM_201384.3(PLEC):c.1284A>G (p.Ala428=)

Gene: PLEC (plectin; minus strand). Cytogenetic location: 8q24.3.
Variant type: single nucleotide variant.
Coding change: c.1284A>G on transcript NM_201384.3 (MANE Select); coding-DNA position 1284, A replaced by G.
Protein change: p.Ala428=; no amino-acid change (alanine 428 retained).
Molecular consequence: synonymous variant.
Genome position (GRCh38, 1-based): chr8:143,933,331, T>C on the plus strand (A>G on the coding strand, the complement: PLEC is on the minus strand). VCF-style: chr8-143933331-T-C. GRCh37 (hg19) VCF-style: chr8-145007499-T-C.
Other names: c.1365A>G, p.Ala455= (NM_000445.5); c.1242A>G, p.Ala414= (NM_201378.4); c.1218A>G, p.Ala406= (NM_201379.3); c.1695A>G, p.Ala565= (NM_201380.4); c.1188A>G, p.Ala396= (NM_201381.3); c.1284A>G, p.Ala428= (NM_201382.4); c.1296A>G, p.Ala432= (NM_201383.3).
Identifiers: ClinVar variation 705048 (VCV000705048.12), dbSNP rs189174850, ClinGen allele CA4928028.

ClinVar aggregate classification (germline): Benign/Likely benign. Review status: criteria provided, multiple submitters, no conflicts (2 of 4 stars). 3 submissions from 3 submitters: Benign (1); Likely benign (2). Last evaluated 2026-03-23.

Conditions:
PLEC-related disorder. Also called: PLEC-related disorders; PLEC-related condition.
Epidermolysis bullosa simplex with nail dystrophy (EBS5D). Identifiers: MedGen C4225309, MONDO:0014661, OMIM 616487.
Epidermolysis bullosa simplex 5B, with muscular dystrophy (EBS5B). Also called: Epidermolysis bullosa simplex with muscular dystrophy; EPIDERMOLYSIS BULLOSA SIMPLEX AND LIMB-GIRDLE MUSCULAR DYSTROPHY. Identifiers: Orphanet 257, MedGen C2931072, MONDO:0009181, OMIM 226670.
Autosomal recessive limb-girdle muscular dystrophy type 2Q (LGMDR17). Also called: MUSCULAR DYSTROPHY, LIMB-GIRDLE, AUTOSOMAL RECESSIVE 17. Identifiers: Orphanet 254361, MedGen C3150989, MONDO:0013390, OMIM 613723.
Epidermolysis bullosa simplex 5C, with pyloric atresia (EBS5C). Also called: PLEC-Related Epidermolysis Bullosa with Pyloric Atresia; Epidermolysis bullosa simplex with pyloric atresia; PLEC1-Related Epidermolysis Bullosa with Pyloric Atresia. Identifiers: Orphanet 158684, MedGen C2677349, MONDO:0012807, OMIM 612138.
Epidermolysis bullosa simplex, Ogna type (EBS5A). Also called: Pidermolysis bullosa simplex 5A, Ogna type; EPIDERMOLYSIS BULLOSA SIMPLEX 5A, OGNA TYPE. Identifiers: Orphanet 79401, MedGen C0432317, MONDO:0007555, OMIM 131950.

Allele frequency attached by ClinVar (database versions not stated): ESP Exome Variant Server 0.00008; gnomAD 0.00016 and 0.00024; TOPMed 0.00019; gnomAD exomes 0.00024 and 0.00040; ExAC 0.00049; 1000 Genomes Project 30x 0.00109; 1000 Genomes Project 0.00140.
gnomAD v4.1: 379 of 1,612,164 alleles (0.024%); highest among the groups gnomAD compares: East Asian, 0.81%; 2 homozygotes.

Submissions (3):

PreventionGenetics, part of Exact Sciences
Classification: Likely benign for PLEC-related condition. Last evaluated: 2026-03-23. Review status: criteria provided, single submitter. Criteria: ACMG Guidelines, 2015. Collection method: clinical testing. Allele origin: germline.
Comment: This variant is classified as likely benign based on ACMG/AMP sequence variant interpretation guidelines (Richards et al. 2015 PMID: 25741868, with internal and published modifications).

Labcorp Genetics (formerly Invitae), Labcorp
Classification: Benign for Autosomal recessive limb-girdle muscular dystrophy type 2Q; Epidermolysis bullosa simplex, Ogna type; Epidermolysis bullosa simplex with nail dystrophy; Epidermolysis bullosa simplex 5C, with pyloric atresia; Epidermolysis bullosa simplex 5B, with muscular dystrophy. Last evaluated: 2025-12-15. Review status: criteria provided, single submitter. Criteria: Invitae Variant Classification Sherloc (09022015). Collection method: clinical testing. Allele origin: germline.

Blueprint Genetics
Classification: Likely benign. Last evaluated: 2024-10-11. Review status: criteria provided, single submitter. Criteria: ACMG Guidelines, 2015. Collection method: clinical testing. Allele origin: germline.